The following is an entry in ClinVar:

NM_001042646.3(TRAK1):c.2710G>A (p.Ala904Thr)

Gene: TRAK1 (trafficking kinesin protein 1; plus strand). Cytogenetic location: 3p22.1.
Variant type: single nucleotide variant.
Coding change: c.2710G>A on transcript NM_001042646.3 (MANE Select); coding-DNA position 2710, G replaced by A.
Protein change: p.Ala904Thr; replaces alanine 904 with threonine.
Molecular consequence: missense variant. On other transcripts: 3 prime UTR variant (1), non-coding transcript variant (1).
Genome position (GRCh38, 1-based): chr3:42,223,585, G>A. VCF-style: chr3-42223585-G-A. GRCh37 (hg19) VCF-style: chr3-42265077-G-A.
Other names: c.2335G>A, p.Ala779Thr (NM_001349245.1); c.2647G>A, p.Ala883Thr (NM_001349246.2); c.*664G>A (NM_001349247.2); c.2425G>A, p.Ala809Thr (NM_001349248.1); c.2488G>A, p.Ala830Thr (NM_001349249.1); c.2536G>A, p.Ala846Thr (NM_001410741.1); short protein forms A830T, A883T, A779T, A846T, A809T, A904T.
Identifiers: ClinVar variation 2002872 (VCV002002872.4), dbSNP rs2473225195, ClinGen allele CA352250731.
Genomic context (GRCh38, chr3:42,223,585, plus strand): 5'-CTTGTTCCCAGAGGCCTGGTACCTGAGGGCCTGCCCCTCAGATGCCCCACTGTCACCAGT[G>A]CCATCGGTGGGCTGCAGCTCAATAGTGGCATCCGGCGGAATCGCAGCTTCCCCACCATGG-3'
Protein context (NP_001036111.1, residues 894-914): LPLRCPTVTS[Ala904Thr]IGGLQLNSGI

ClinVar aggregate classification (germline): Uncertain significance (1 of 4 stars; one submission).

Allele frequency attached by ClinVar (database versions not stated): gnomAD exomes below 0.00001.
gnomAD v4.1: 2 of 1,613,978 alleles (0.00012%); highest among the groups gnomAD compares: Non-Finnish European, 0.00017%; no homozygotes.

Submission:

Labcorp Genetics (formerly Invitae), Labcorp
Classification: Uncertain significance. Last evaluated: 2023-08-04. Review status: criteria provided, single submitter. Criteria: Invitae Variant Classification Sherloc (09022015). Collection method: clinical testing. Allele origin: germline.
Comment: This variant is not present in population databases (gnomAD no frequency). This variant has not been reported in the literature in individuals affected with TRAK1-related conditions. ClinVar contains an entry for this variant (Variation ID: 2002872). Algorithms developed to predict the effect of missense changes on protein structure and function output the following: SIFT: "Not Available"; PolyPhen-2: "Benign"; Align-GVGD: "Not Available". The threonine amino acid residue is found in multiple mammalian species, which suggests that this missense change does not adversely affect protein function. In summary, the available evidence is currently insufficient to determine the role of this variant in disease. Therefore, it has been classified as a Variant of Uncertain Significance. This sequence change replaces alanine, which is neutral and non-polar, with threonine, which is neutral and polar, at codon 904 of the TRAK1 protein (p.Ala904Thr).